The following is an entry in ClinVar:

ClinVar aggregate classification (germline): Benign/Likely benign. Review status: criteria provided, multiple submitters, no conflicts (2 of 4 stars). 2 submissions from 2 submitters: Benign (1); Likely benign (1). Last evaluated 2026-09-23.

Conditions:
Cardiovascular phenotype. Identifiers: MedGen CN230736.
Hereditary cancer-predisposing syndrome. Also called: Hereditary neoplastic syndrome; Neoplastic Syndromes, Hereditary; Tumor predisposition; Hereditary Cancer Syndrome. Identifiers: Orphanet 140162, MedGen C0027672, MeSH D009386, MONDO:0015356.
Neurofibromatosis, type 1 (NF1). Also called: VON RECKLINGHAUSEN DISEASE; Peripheral type neurofibromatosis; NEUROFIBROMATOSIS, TYPE I, SOMATIC; Neurofibromatosis, type I. Identifiers: Orphanet 636, MedGen C0027831, MONDO:0018975, OMIM 162200. Disease mechanism: loss of function.

Submissions (2):

Myriad Genetics, Inc.
Classification: Benign for Neurofibromatosis, type 1. Last evaluated: 2026-09-23. Review status: criteria provided, single submitter. Criteria: Myriad Autosomal Dominant, Autosomal Recessive and X-Linked Classification Criteria (2023). Collection method: clinical testing. Allele origin: unknown.
Comment: This variant is considered benign. This variant is a silent/synonymous amino acid change and it is not expected to impact splicing.

Ambry Genetics
Classification: Likely benign for Cardiovascular phenotype; Hereditary cancer-predisposing syndrome. Last evaluated: 2021-11-02. Review status: criteria provided, single submitter. Criteria: Ambry Variant Classification Scheme 2023. Collection method: clinical testing. Allele origin: germline.

NM_001042492.3(NF1):c.207A>G (p.Arg69=)

Gene: NF1 (neurofibromin 1; plus strand). Cytogenetic location: 17q11.2.
Variant type: single nucleotide variant.
Coding change: c.207A>G on transcript NM_001042492.3 (MANE Select); coding-DNA position 207, A replaced by G.
Protein change: p.Arg69=; no amino-acid change (arginine 69 retained).
Molecular consequence: synonymous variant.
Genome position (GRCh38, 1-based): chr17:31,159,012, A>G. VCF-style: chr17-31159012-A-G. GRCh37 (hg19) VCF-style: chr17-29486030-A-G.
Other names: c.207A>G, p.Arg69= (NM_000267.4, NM_001128147.3).
Identifiers: ClinVar variation 1785519 (VCV001785519.3), dbSNP rs2143645365, ClinGen allele CA499232800.